The following is an entry in ClinVar:

NM_206933.4(USH2A):c.3395del (p.Gly1132fs)

Genes: USH2A (usherin; minus strand), USH2A-AS1 (USH2A antisense RNA 1; plus strand). Cytogenetic location: 1q41.
Variant type: Deletion.
Coding change: c.3395del on transcript NM_206933.4 (MANE Select); coding-DNA position 3395, one base deleted (G; older notation c.3395delG).
Protein change: p.Gly1132fs; shifts the reading frame from glycine 1132.
Molecular consequence: frameshift variant.
Genome position (GRCh38, 1-based): chr1:216,200,043, C deleted on the plus strand (G on the coding strand, the reverse complement: USH2A is on the minus strand); the first of 2 consecutive C bases (chr1:216,200,043-216,200,044); deleting either gives the same sequence. VCF-style (leftmost placement, unchanged base first): chr1-216200042-AC-A. GRCh37 (hg19) VCF-style: chr1-216373384-AC-A.
Other names: c.3395del, p.Gly1132fs (NM_007123.6); short protein forms G1132fs.
Identifiers: ClinVar variation 2958956 (VCV002958956.3), dbSNP rs2528047063, ClinGen allele CA2740090319.

ClinVar aggregate classification (germline): Pathogenic (1 of 4 stars; one submission).

Submission:

Labcorp Genetics (formerly Invitae), Labcorp
Classification: Pathogenic. Last evaluated: 2023-04-13. Review status: criteria provided, single submitter. Criteria: Invitae Variant Classification Sherloc (09022015). Collection method: clinical testing. Allele origin: germline.
Comment: For these reasons, this variant has been classified as Pathogenic. This variant has not been reported in the literature in individuals affected with USH2A-related conditions. This variant is not present in population databases (gnomAD no frequency). This sequence change creates a premature translational stop signal (p.Gly1132Valfs*6) in the USH2A gene. It is expected to result in an absent or disrupted protein product. Loss-of-function variants in USH2A are known to be pathogenic (PMID: 10729113, 10909849, 20507924, 25649381).

Literature cited by the submitters: PubMed 10729113; PubMed 10909849; PubMed 20507924; PubMed 25649381.